The following is an entry in ClinVar:

ClinVar aggregate classification (germline): Uncertain significance (1 of 4 stars; one submission).

Submission:

Ambry Genetics
Classification: Uncertain significance. Last evaluated: 2022-03-31. Review status: criteria provided, single submitter. Criteria: Ambry Variant Classification Scheme 2023. Collection method: clinical testing. Allele origin: germline.
Comment: The p.P771S variant (also known as c.2311C>T), located in coding exon 4 of the ALPK2 gene, results from a C to T substitution at nucleotide position 2311. The proline at codon 771 is replaced by serine, an amino acid with similar properties. This amino acid position is conserved. In addition, this alteration is predicted to be tolerated by in silico analysis. Since supporting evidence is limited at this time, the clinical significance of this alteration remains unclear.

NM_052947.4(ALPK2):c.2311C>T (p.Pro771Ser)

Gene: ALPK2 (alpha kinase 2; minus strand). Cytogenetic location: 18q21.31.
Variant type: single nucleotide variant.
Coding change: c.2311C>T on transcript NM_052947.4 (MANE Select); coding-DNA position 2311, C replaced by T.
Protein change: p.Pro771Ser; replaces proline 771 with serine.
Molecular consequence: missense variant.
Genome position (GRCh38, 1-based): chr18:58,537,876, G>A on the plus strand (C>T on the coding strand, the complement: ALPK2 is on the minus strand). VCF-style: chr18-58537876-G-A. GRCh37 (hg19) VCF-style: chr18-56205108-G-A.
Other names: short protein forms P771S.
Identifiers: ClinVar variation 1789441 (VCV001789441.2), dbSNP rs1366070969, ClinGen allele CA402571033.
Genomic context (GRCh38, chr18:58,537,876, plus strand): 5'-CATTTTCCAGGGTGAGGGCAGTATCTGTGGGTTCAGGGGAAGCAACAGAGACAGCCACAG[G>A]CTCCCTGAAGTCAGCACGAGCATCCTTGGGGAGATGCCTTGAGAACACACCTGGGGACAT-3'
Protein context (NP_443179.3, residues 761-781): PKDARADFRE[Pro771Ser]VAVSVASPEP